The following continues an entry in ClinVar:

NM_000330.4(RS1):c.304C>T (p.Arg102Trp)

ClinVar aggregate classification (germline): Pathogenic. Pathogenic (1).

Submissions 13 to 16 of 16:

Victorian Clinical Genetics Services, Murdoch Childrens Research Institute
Classification: Pathogenic for Juvenile retinoschisis. Last evaluated: 2020-10-19. Review status: criteria provided, single submitter. Criteria: ACMG Guidelines, 2015. Collection method: clinical testing. Allele origin: germline. Inheritance: X-linked recessive inheritance. Affected: yes. Not counted in ClinVar's aggregate classification.
Comment: Based on the classification scheme VCGS_Germline_v1.3.4, this variant is classified as Pathogenic. Following criteria are met: 0102 - Loss of function is a known mechanism of disease in this gene and is associated with retinoschisis (MIM#312700). (I) 0109 - This gene is associated with X-linked recessive disease, however, some affected females have also been reported (OMIM) (I) 0200 - Variant is predicted to result in a missense amino acid change from arginine to tryptophan. (I) 0253 - This variant is hemizygous. (I) 0304 - Variant is present in gnomAD <0.01 for a recessive condition (v2: 1 heterozygote, 0 homozygotes, 0 hemizygotes). (SP) 0309 - An alternative amino acid change at the same position has been observed in gnomAD (v2) (1 heterozygote, 0 homozygotes, 0 hemizygotes). (I) 0501 - Missense variant consistently predicted to be damaging by multiple in silico tools and highly conserved with a major amino acid change. (SP) 0600 - Variant is located in the annotated coagulation factor 5/8 C-terminal domain (NCBI conserved domain). (I) 0702 – Other missense variants comparable to the one identified in this case have strong previous evidence for pathogenicity. The p.R102Q and p.R102P alternative variants have previously been reported as pathogenic in patients with retinoschisis (ClinVar, PMIDs: 30652005, 28272453). (SP) 0801 - This variant has strong previous evidence of pathogenicity in unrelated individuals. This variant has previously been reported as pathogenic in multiple individuals with retinoschisis (ClinVar, PMIDs: 9326935, 30652005, 30551202, 31725702). (SP) 0905 - No published segregation evidence has been identified for this variant. (I) 1002 - This variant has moderate functional evidence supporting abnormal protein function. This variant is result in a defect in protein secretion (PMID: 23453514). (SP) 1208 - Inheritance information for this variant is not currently available in this individual. (I) Legend: (SP) - Supporting pathogenic, (I) - Information, (SB) - Supporting benign

Centre for Genomic Medicine, Manchester, Central Manchester University Hospitals
Classification: Pathogenic for Retinal dystrophy. Last evaluated: 2015-01-30. Review status: no assertion criteria provided. Collection method: clinical testing. Allele origin: germline. Affected: yes. Not counted in ClinVar's aggregate classification.

OMIM
Classification: Pathogenic for RETINOSCHISIS 1, X-LINKED, JUVENILE. Last evaluated: 1997-10-01. Review status: no assertion criteria provided. Collection method: literature only. Allele origin: germline. Not counted in ClinVar's aggregate classification.

Retina International
No classification provided. Review status: no classification provided. Collection method: not provided. Allele origin: unknown. Not counted in ClinVar's aggregate classification.

Literature cited by the submitters: PubMed 9326935 (cited by 5 submitters); PubMed 9618178 (cited by Labcorp Genetics (formerly Invitae), Labcorp); PubMed 16900931 (cited by 3 submitters); PubMed 24634885 (cited by 3 submitters); PubMed 30652005 (cited by 3 submitters); PubMed 12417531 (cited by Labcorp Genetics (formerly Invitae), Labcorp and Institute of Human Genetics, Univ. Regensburg, Univ. Regensburg); PubMed 17615541 (cited by Labcorp Genetics (formerly Invitae), Labcorp); PubMed 22245991 (cited by Natera, Inc.); PubMed 20061330 (cited by Natera, Inc. and Institute of Human Genetics, Univ. Regensburg, Univ. Regensburg); PubMed 16361673 (cited by Institute of Human Genetics, Univ. Regensburg, Univ. Regensburg and Ocular Genomics Institute, Massachusetts Eye and Ear); PubMed 20809529 (cited by Institute of Human Genetics, Univ. Regensburg, Univ. Regensburg and Ocular Genomics Institute, Massachusetts Eye and Ear); PubMed 22581970 (cited by Institute of Human Genetics, Univ. Regensburg, Univ. Regensburg); PubMed 26043410 (cited by Institute of Human Genetics, Univ. Regensburg, Univ. Regensburg); PubMed 25894957 (cited by Institute of Human Genetics, Univ. Regensburg, Univ. Regensburg); PubMed 31725702 (cited by Institute of Human Genetics, Univ. Regensburg, Univ. Regensburg and Victorian Clinical Genetics Services, Murdoch Childrens Research Institute); PubMed 30608181 (cited by Institute of Human Genetics, Univ. Regensburg, Univ. Regensburg); PubMed 31141763 (cited by Institute of Human Genetics, Univ. Regensburg, Univ. Regensburg); PubMed 33090715 (cited by Institute of Human Genetics, Univ. Regensburg, Univ. Regensburg); PubMed 32531858 (cited by Institute of Human Genetics, Univ. Regensburg, Univ. Regensburg); PubMed 35456481 (cited by Institute of Human Genetics, Univ. Regensburg, Univ. Regensburg); PubMed 36377647 (cited by Institute of Human Genetics, Univ. Regensburg, Univ. Regensburg); PubMed 34822951 (cited by Institute of Human Genetics, Univ. Regensburg, Univ. Regensburg); PubMed 34624300 (cited by Institute of Human Genetics, Univ. Regensburg, Univ. Regensburg); PubMed 36284460 (cited by Institute of Human Genetics, Univ. Regensburg, Univ. Regensburg); PubMed 35456422 (cited by Institute of Human Genetics, Univ. Regensburg, Univ. Regensburg); PubMed 34645606 (cited by Institute of Human Genetics, Univ. Regensburg, Univ. Regensburg); PubMed 26872967 (cited by Ocular Genomics Institute, Massachusetts Eye and Ear and Centre for Genomic Medicine, Manchester, Central Manchester University Hospitals); PubMed 23453514 (cited by Victorian Clinical Genetics Services, Murdoch Childrens Research Institute); PubMed 28272453 (cited by Victorian Clinical Genetics Services, Murdoch Childrens Research Institute); PubMed 30551202 (cited by Victorian Clinical Genetics Services, Murdoch Childrens Research Institute).